The following is an entry in ClinVar:

ClinVar aggregate classification (germline): Uncertain significance (1 of 4 stars; one submission).

Conditions:
Inborn genetic diseases. Identifiers: MedGen C0950123, MeSH D030342.

gnomAD v4.1: 1 of 1,613,632 alleles (0.000062%); highest among the groups gnomAD compares: East Asian, 0.0022%; no homozygotes.

Submission:

Ambry Genetics
Classification: Uncertain significance for Inborn genetic diseases. Last evaluated: 2024-11-28. Review status: criteria provided, single submitter. Criteria: Ambry Variant Classification Scheme 2023. Collection method: clinical testing. Allele origin: germline.
Comment: The p.G112V variant (also known as c.335G>T), located in coding exon 2 of the ERCC6L2 gene, results from a G to T substitution at nucleotide position 335. The glycine at codon 112 is replaced by valine, an amino acid with dissimilar properties. This amino acid position is conserved. In addition, the in silico prediction for this alteration is inconclusive. Based on the available evidence, the clinical significance of this variant remains unclear.

NM_020207.7(ERCC6L2):c.335G>T (p.Gly112Val)

Gene: ERCC6L2 (ERCC excision repair 6 like 2; plus strand). Cytogenetic location: 9q22.32.
Variant type: single nucleotide variant.
Coding change: c.335G>T on transcript NM_020207.7 (MANE Select); coding-DNA position 335, G replaced by T.
Protein change: p.Gly112Val; replaces glycine 112 with valine.
Molecular consequence: missense variant. On other transcripts: non-coding transcript variant (1).
Genome position (GRCh38, 1-based): chr9:95,881,157, G>T. VCF-style: chr9-95881157-G-T. GRCh37 (hg19) VCF-style: chr9-98643439-G-T.
Other names: c.335G>T, p.Gly112Val (NM_001010895.4, NM_001375291.1, NM_001375292.1 and 2 more transcripts); short protein forms G112V.
Identifiers: ClinVar variation 3510005 (VCV003510005.1).
Genomic context (GRCh38, chr9:95,881,157, plus strand): 5'-CTTATTTCCCAAACCGAAAATTTCCATCATCTTCTGTTGCTTTTAAATTATCTGACAATG[G>T]AGACTCTATTCCTTATACCATCAATAGGTATTTGAGAGACTACCAAAGAGAAGGAACCCG-3'
Protein context (NP_064592.3, residues 102-122): SSVAFKLSDN[Gly112Val]DSIPYTINRY